The following is an entry in ClinVar:

NM_000055.4(BCHE):c.503T>C (p.Ile168Thr)

Gene: BCHE (butyrylcholinesterase; minus strand). Cytogenetic location: 3q26.1.
Variant type: single nucleotide variant.
Coding change: c.503T>C on transcript NM_000055.4 (MANE Select); coding-DNA position 503, T replaced by C.
Protein change: p.Ile168Thr; replaces isoleucine 168 with threonine.
Molecular consequence: missense variant. On other transcripts: non-coding transcript variant (1).
Genome position (GRCh38, 1-based): chr3:165,830,531, A>G on the plus strand (T>C on the coding strand, the complement: BCHE is on the minus strand). VCF-style: chr3-165830531-A-G. GRCh37 (hg19) VCF-style: chr3-165548319-A-G.
Other names: short protein forms I168T.
Identifiers: ClinVar variation 3050313 (VCV003050313.2), dbSNP rs932433269, ClinGen allele CA87410356.

ClinVar aggregate classification (germline): Uncertain significance (0 of 4 stars; one submission).

Conditions:
BCHE-related disorder. Also called: BCHE-related condition.

Allele frequency attached by ClinVar (database versions not stated): gnomAD exomes below 0.00001; TOPMed 0.00001.
gnomAD v4.1: 5 of 1,613,998 alleles (0.00031%); highest among the groups gnomAD compares: African/African-American, 0.0013%; no homozygotes.

Submission:

PreventionGenetics, part of Exact Sciences
Classification: Uncertain significance for BCHE-related condition. Last evaluated: 2023-12-07. Review status: no assertion criteria provided. Collection method: clinical testing. Allele origin: germline.
Comment: The BCHE c.503T>C variant is predicted to result in the amino acid substitution p.Ile168Thr. To our knowledge, this variant has not been reported in the literature or in a large population database, indicating this variant is rare. At this time, the clinical significance of this variant is uncertain due to the absence of conclusive functional and genetic evidence.